The following is an entry in ClinVar:

NM_001385875.1(ZFYVE27):c.508G>A (p.Ala170Thr)

Gene: ZFYVE27 (zinc finger FYVE-type containing 27; plus strand). Cytogenetic location: 10q24.2.
Variant type: single nucleotide variant.
Coding change: c.508G>A on transcript NM_001385875.1 (MANE Select); coding-DNA position 508, G replaced by A.
Protein change: p.Ala170Thr; replaces alanine 170 with threonine.
Molecular consequence: missense variant. On other transcripts: non-coding transcript variant (13), intron variant (6).
Genome position (GRCh38, 1-based): chr10:97,748,321, G>A. VCF-style: chr10-97748321-G-A. GRCh37 (hg19) VCF-style: chr10-99508078-G-A.
Other names: c.508G>A, p.Ala170Thr (NM_001002261.4, NM_001002262.4, NM_001385871.1 and 8 more transcripts); c.412G>A, p.Ala138Thr (NM_001174119.2, NM_001385885.1, NM_001385887.1 and 1 more transcripts); c.250G>A, p.Ala84Thr (NM_001174120.2, NM_001385901.1, NM_001385902.1 and 3 more transcripts); c.214G>A, p.Ala72Thr (NM_001174121.2, NM_001385915.1); c.547G>A, p.Ala183Thr (NM_001385876.1); c.472G>A, p.Ala158Thr (NM_001385881.1); c.304G>A, p.Ala102Thr (NM_001385890.1, NM_001385891.1, NM_001385892.1 and 6 more transcripts); c.271G>A, p.Ala91Thr (NM_001385899.1, NM_001385900.1, NM_001385903.1 and 2 more transcripts); and 4 more; short protein forms A170T, A72T, A138T, A84T, A102T, A158T, A183T, A91T.
Identifiers: ClinVar variation 301833 (VCV000301833.9), dbSNP rs555051885, ClinGen allele CA5635188.

ClinVar aggregate classification (germline): Benign/Likely benign. Review status: criteria provided, multiple submitters, no conflicts (2 of 4 stars). 2 submissions from 2 submitters: Benign (1); Likely benign (1). Last evaluated 2024-11-11.

Conditions:
Spastic paraplegia. Identifiers: MedGen C0037772, HP:0001258.
Hereditary spastic paraplegia 33. Also called: SPASTIC PARAPLEGIA 33, AUTOSOMAL DOMINANT. Identifiers: MedGen C1853251, MONDO:0012448, OMIM 610244.

Allele frequency attached by ClinVar (database versions not stated): gnomAD exomes 0.00016 and 0.00073; gnomAD 0.00022; TOPMed 0.00029; 1000 Genomes Project 30x 0.00031; 1000 Genomes Project 0.00040; ExAC 0.00058.
gnomAD v4.1: 267 of 1,614,122 alleles (0.017%); highest among the groups gnomAD compares: East Asian, 0.53%; 2 homozygotes.

Submissions (2):

Labcorp Genetics (formerly Invitae), Labcorp
Classification: Benign for Spastic paraplegia. Last evaluated: 2024-11-11. Review status: criteria provided, single submitter. Criteria: Invitae Variant Classification Sherloc (09022015). Collection method: clinical testing. Allele origin: germline.

Illumina Laboratory Services, Illumina
Classification: Likely benign for Hereditary spastic paraplegia 33. Last evaluated: 2017-04-27. Review status: criteria provided, single submitter. Criteria: ICSL Variant Classification Criteria 13 December 2019. Collection method: clinical testing. Allele origin: germline.
Comment: This variant was observed as part of a predisposition screen in an ostensibly healthy population. A literature search was performed for the gene, cDNA change, and amino acid change (where applicable). No publications were found based on this search. Allele frequency data from public databases allowed determination this variant is unlikely to cause disease. Therefore, this variant is classified as likely benign.